The following is an entry in ClinVar:

ClinVar aggregate classification (germline): Uncertain significance. Review status: criteria provided, multiple submitters, no conflicts (2 of 4 stars). 2 submissions from 2 submitters: Uncertain significance (2). Last evaluated 2020-11-18.

Conditions:
Developmental and epileptic encephalopathy, 14 (DEE14). Also called: Early infantile epileptic encephalopathy 14. Identifiers: Orphanet 293181, MedGen C3554195, MONDO:0013989, OMIM 614959.
Autosomal dominant nocturnal frontal lobe epilepsy 5. Also called: KCNT1-Related Epilepsy; CILIARY DYSKINESIA, PRIMARY, 28, WITHOUT SITUS INVERSUS; CILIARY DYSKINESIA, PRIMARY, 28, WITH SITUS INVERSUS; Epilepsy, nocturnal frontal lobe, 5. Identifiers: Orphanet 98784, MedGen C3554306, MONDO:0014002, OMIM 615005.

Allele frequency attached by ClinVar (database versions not stated): ExAC 0.00001.
gnomAD v4.1: 7 of 1,612,686 alleles (0.00043%); highest among the groups gnomAD compares: Admixed American, 0.0017%; no homozygotes.

Submissions (2):

Labcorp Genetics (formerly Invitae), Labcorp
Classification: Uncertain significance for Autosomal dominant nocturnal frontal lobe epilepsy 5; Developmental and epileptic encephalopathy, 14. Last evaluated: 2020-11-18. Review status: criteria provided, single submitter. Criteria: Invitae Variant Classification Sherloc (09022015). Collection method: clinical testing. Allele origin: germline.
Comment: This sequence change replaces glutamic acid with aspartic acid at codon 1044 of the KCNT1 protein (p.Glu1044Asp). The glutamic acid residue is moderately conserved and there is a small physicochemical difference between glutamic acid and aspartic acid. This variant is present in population databases (rs771326200, ExAC 0.002%). This variant has not been reported in the literature in individuals with KCNT1-related conditions. Algorithms developed to predict the effect of missense changes on protein structure and function (SIFT, PolyPhen-2, Align-GVGD) all suggest that this variant is likely to be tolerated, but these predictions have not been confirmed by published functional studies and their clinical significance is uncertain. In summary, the available evidence is currently insufficient to determine the role of this variant in disease. Therefore, it has been classified as a Variant of Uncertain Significance.

Neuberg Centre For Genomic Medicine, NCGM
Classification: Uncertain significance for Developmental and epileptic encephalopathy, 14. Review status: criteria provided, single submitter. Criteria: ACMG Guidelines, 2015. Collection method: clinical testing. Allele origin: germline. Inheritance: Autosomal dominant inheritance. Affected: yes.
Comment: The missense variant p.E1044D in KCNT1 (NM_020822.3) has not been reported previously as a pathogenic variant nor as a benign variant, to our knowledge. It has been submitted to ClinVar as Uncertain Significance. The missense variant c.3132G>C (p.E1044D) in KCNT1 (NM_020822.3) is observed in 1/34548 (0.0029%) alleles from individuals of Latino background in the gnomAD dataset (Exome Aggregation Consortium et al., 2016), but was not seen in the homozygous state. In silico tools predict a contradictory effect (SIFT-damaging, Polyphen-2- Tolerated) and the residue is weakly conserved across species. For these reasons, this variant has been classified as Uncertain Significance.

NM_020822.3(KCNT1):c.3132G>C (p.Glu1044Asp)

Gene: KCNT1 (potassium sodium-activated channel subfamily T member 1; plus strand). Cytogenetic location: 9q34.3.
Variant type: single nucleotide variant.
Coding change: c.3132G>C on transcript NM_020822.3 (MANE Select); coding-DNA position 3132, G replaced by C.
Protein change: p.Glu1044Asp; replaces glutamic acid 1044 with aspartic acid.
Molecular consequence: missense variant.
Genome position (GRCh38, 1-based): chr9:135,784,865, G>C. VCF-style: chr9-135784865-G-C. GRCh37 (hg19) VCF-style: chr9-138676711-G-C.
Other names: c.3132G>C (NM_020822.2); c.2997G>C, p.Glu999Asp (NM_001272003.2); short protein forms E1044D, E999D.
Identifiers: ClinVar variation 1006534 (VCV001006534.12), dbSNP rs771326200, ClinGen allele CA5327621.